The following is an entry in ClinVar:

ClinVar aggregate classification (germline): Uncertain significance (1 of 4 stars; one submission).

Conditions:
Hereditary spastic paraplegia 8 (SPG8). Also called: SPASTIC PARAPLEGIA 8, AUTOSOMAL DOMINANT. Identifiers: Orphanet 100989, MedGen C1863704, MONDO:0011339, OMIM 603563.
Ritscher-Schinzel syndrome. Also called: CRANIOCEREBELLOCARDIAC DYSPLASIA. Identifiers: Orphanet 7, MedGen C0796137, MONDO:0019078.

Allele frequency attached by ClinVar (database versions not stated): TOPMed below 0.00001; gnomAD exomes 0.00001.

Submission:

Labcorp Genetics (formerly Invitae), Labcorp
Classification: Uncertain significance for Ritscher-Schinzel syndrome; Hereditary spastic paraplegia 8. Last evaluated: 2022-11-25. Review status: criteria provided, single submitter. Criteria: Invitae Variant Classification Sherloc (09022015). Collection method: clinical testing. Allele origin: germline.
Comment: This sequence change replaces methionine, which is neutral and non-polar, with valine, which is neutral and non-polar, at codon 149 of the WASHC5 protein (p.Met149Val). This variant is not present in population databases (gnomAD no frequency). This variant has not been reported in the literature in individuals affected with WASHC5-related conditions. ClinVar contains an entry for this variant (Variation ID: 1005950). Advanced modeling of protein sequence and biophysical properties (such as structural, functional, and spatial information, amino acid conservation, physicochemical variation, residue mobility, and thermodynamic stability) performed at Invitae indicates that this missense variant is not expected to disrupt WASHC5 protein function. In summary, the available evidence is currently insufficient to determine the role of this variant in disease. Therefore, it has been classified as a Variant of Uncertain Significance.

NM_014846.4(WASHC5):c.445A>G (p.Met149Val)

Gene: WASHC5 (WASH complex subunit 5; minus strand). Cytogenetic location: 8q24.13.
Variant type: single nucleotide variant.
Coding change: c.445A>G on transcript NM_014846.4 (MANE Select); coding-DNA position 445, A replaced by G.
Protein change: p.Met149Val; replaces methionine 149 with valine.
Molecular consequence: missense variant. On other transcripts: initiator codon variant (1).
Genome position (GRCh38, 1-based): chr8:125,081,734, T>C on the plus strand (A>G on the coding strand, the complement: WASHC5 is on the minus strand). VCF-style: chr8-125081734-T-C. GRCh37 (hg19) VCF-style: chr8-126093976-T-C.
Other names: c.1A>G, p.Met1Val (NM_001330609.2); short protein forms M149V, M1V.
Identifiers: ClinVar variation 1005950 (VCV001005950.9), dbSNP rs1817270519, ClinGen allele CA372267155.